The following is an entry in ClinVar:

NM_000135.4(FANCA):c.1141A>G (p.Thr381Ala)

Gene: FANCA (FA complementation group A; minus strand). Cytogenetic location: 16q24.3.
Variant type: single nucleotide variant.
Coding change: c.1141A>G on transcript NM_000135.4 (MANE Select); coding-DNA position 1141, A replaced by G.
Protein change: p.Thr381Ala; replaces threonine 381 with alanine.
Molecular consequence: missense variant.
Genome position (GRCh38, 1-based): chr16:89,792,011, T>C on the plus strand (A>G on the coding strand, the complement: FANCA is on the minus strand). VCF-style: chr16-89792011-T-C. GRCh37 (hg19) VCF-style: chr16-89858419-T-C.
Other names: c.1141A>G (NM_000135.3); c.1141A>G, p.Thr381Ala (NM_001286167.3); short protein forms T381A.
Identifiers: ClinVar variation 842972 (VCV000842972.13), dbSNP rs774319222, ClinGen allele CA8252501.

ClinVar aggregate classification (germline): Uncertain significance. Review status: criteria provided, multiple submitters, no conflicts (2 of 4 stars). 5 submissions from 5 submitters: Uncertain significance (4). 1 of the submissions does not count toward it. Last evaluated 2024-12-08.

Conditions:
Fanconi anemia complementation group A (FANCA). Also called: Fanconi anemia, group A; FANCA-Related Fanconi Anemia. Identifiers: Orphanet 84, MedGen C3469521, MONDO:0009215, OMIM 227650.
Inborn genetic diseases. Identifiers: MedGen C0950123, MeSH D030342.
Fanconi anemia (FA). Also called: Fanconi's anemia. Identifiers: Orphanet 84, MedGen C0015625, MeSH D005199, MONDO:0019391.

Allele frequency attached by ClinVar (database versions not stated): gnomAD 0.00001; gnomAD exomes 0.00001 and 0.00003; ExAC 0.00002; TOPMed 0.00004.

Submissions (5):

Ambry Genetics
Classification: Uncertain significance for Inborn genetic diseases. Last evaluated: 2024-12-08. Review status: criteria provided, single submitter. Criteria: Ambry Variant Classification Scheme 2023. Collection method: clinical testing. Allele origin: germline.
Comment: The p.T381A variant (also known as c.1141A>G), located in coding exon 13 of the FANCA gene, results from an A to G substitution at nucleotide position 1141. The threonine at codon 381 is replaced by alanine, an amino acid with similar properties. This amino acid position is conserved. In addition, this alteration is predicted to be tolerated by in silico analysis. Based on the available evidence, the clinical significance of this variant remains unclear.

Labcorp Genetics (formerly Invitae), Labcorp
Classification: Uncertain significance for Fanconi anemia. Last evaluated: 2024-11-19. Review status: criteria provided, single submitter. Criteria: Invitae Variant Classification Sherloc (09022015). Collection method: clinical testing. Allele origin: germline.
Comment: This sequence change replaces threonine, which is neutral and polar, with alanine, which is neutral and non-polar, at codon 381 of the FANCA protein (p.Thr381Ala). This variant is present in population databases (rs774319222, gnomAD 0.02%). This variant has not been reported in the literature in individuals affected with FANCA-related conditions. ClinVar contains an entry for this variant (Variation ID: 842972). Invitae Evidence Modeling of protein sequence and biophysical properties (such as structural, functional, and spatial information, amino acid conservation, physicochemical variation, residue mobility, and thermodynamic stability) indicates that this missense variant is not expected to disrupt FANCA protein function with a negative predictive value of 95%. In summary, the available evidence is currently insufficient to determine the role of this variant in disease. Therefore, it has been classified as a Variant of Uncertain Significance.

Quest Diagnostics Nichols Institute San Juan Capistrano
Classification: Uncertain significance. Last evaluated: 2024-11-12. Review status: criteria provided, single submitter. Criteria: Quest Diagnostics criteria. Collection method: clinical testing. Allele origin: unknown.
Comment: The FANCA c.1141A>G (p.Thr381Ala) variant has not been reported in individuals with FANCA-related conditions in the published literature. The frequency of this variant in the general population, 0.0002 (7/34592 chromosomes (Genome Aggregation Database)), is uninformative in the assessment of its pathogenicity. Analysis of this variant using bioinformatics tools for the prediction of the effect of amino acid changes on protein structure and function yielded predictions that this variant is benign. Based on the available information, we are unable to determine the clinical significance of this variant.

Fulgent Genetics
Classification: Uncertain significance for Fanconi anemia complementation group A. Last evaluated: 2024-03-20. Review status: criteria provided, single submitter. Criteria: ACMG Guidelines, 2015. Collection method: clinical testing. Allele origin: germline.

Natera, Inc.
Classification: Uncertain significance for Fanconi anemia. Last evaluated: 2021-05-24. Review status: no assertion criteria provided. Collection method: clinical testing. Allele origin: germline. Not counted in ClinVar's aggregate classification.